The following is an entry in ClinVar:

ClinVar aggregate classification (germline): Conflicting classifications of pathogenicity. Review status: criteria provided, conflicting classifications (1 of 4 stars). 6 submissions from 6 submitters: Uncertain significance (2); Likely benign (4). Last evaluated 2025-05-27.

Conditions:
Inborn genetic diseases. Identifiers: MedGen C0950123, MeSH D030342.
Fanconi anemia (FA). Also called: Fanconi's anemia. Identifiers: Orphanet 84, MedGen C0015625, MeSH D005199, MONDO:0019391.
Hereditary cancer-predisposing syndrome. Also called: Hereditary neoplastic syndrome; Tumor predisposition; Neoplastic Syndromes, Hereditary; Hereditary Cancer Syndrome. Identifiers: Orphanet 140162, MedGen C0027672, MeSH D009386, MONDO:0015356.

Allele frequency attached by ClinVar (database versions not stated): ExAC 0.00002; gnomAD 0.00002 and 0.00003; gnomAD exomes 0.00002 and 0.00004; TOPMed 0.00004.
gnomAD v4.1: 38 of 1,613,916 alleles (0.0024%); highest among the groups gnomAD compares: Middle Eastern, 0.016%; no homozygotes.

Submissions (6):

Quest Diagnostics Nichols Institute San Juan Capistrano
Classification: Uncertain significance. Last evaluated: 2025-05-27. Review status: criteria provided, single submitter. Criteria: Quest Diagnostics criteria. Collection method: clinical testing. Allele origin: unknown.
Comment: The FANCM c.5685T>C (p.Cys1895=) synonymous variant has not been reported in individuals with FANCM-related conditions in the published literature. The frequency of this variant in the general population (Genome Aggregation Database) is uninformative in the assessment of its pathogenicity. Analysis of this variant using software algorithms for the prediction of the effect of nucleotide changes on splicing yielded predictions that this variant does not affect FANCM mRNA splicing. Based on the available information, we are unable to determine the clinical significance of this variant.

Labcorp Genetics (formerly Invitae), Labcorp
Classification: Likely benign for Fanconi anemia. Last evaluated: 2025-05-17. Review status: criteria provided, single submitter. Criteria: Invitae Variant Classification Sherloc (09022015). Collection method: clinical testing. Allele origin: germline.

Blueprint Genetics
Classification: Likely benign. Last evaluated: 2024-11-06. Review status: criteria provided, single submitter. Criteria: ACMG Guidelines, 2015. Collection method: clinical testing. Allele origin: germline.

Ambry Genetics
Classification: Likely benign for Inborn genetic diseases. Last evaluated: 2024-10-17. Review status: criteria provided, single submitter. Criteria: Ambry Variant Classification Scheme 2023. Collection method: clinical testing. Allele origin: germline.

Sema4
Classification: Uncertain significance for Hereditary cancer-predisposing syndrome. Last evaluated: 2021-08-18. Review status: criteria provided, single submitter. Criteria: Sema4 Curation Guidelines. Collection method: curation. Allele origin: germline.
Comment: The FANCM c.5685T>C (p.C1895=) variant has not been reported in the literature to our knowledge. It was observed in 7/129026 chromosomes of the Non-Finnish European subpopulation in the Genome Aggregation Database (PMID: 32461654). The variant has been reported in ClinVar (Variation ID 526493). The nucleotide is conserved. Computational tools developed to predict the effect of sequence changes on RNA splicing suggest that the variant has no effect on splicing, but this prediction has not been confirmed by functional studies. The evidence is insufficient to meet ACMG/AMP criteria for classifying the variant as benign or pathogenic. Thus, the clinical significance of this variant is currently uncertain.

GeneDx
Classification: Likely benign. Last evaluated: 2020-12-17. Review status: criteria provided, single submitter. Criteria: GeneDx Variant Classification Process June 2021. Collection method: clinical testing. Allele origin: germline. Affected: yes.

NM_020937.4(FANCM):c.5685T>C (p.Cys1895=)

Gene: FANCM (FA complementation group M; plus strand). Cytogenetic location: 14q21.2.
Variant type: single nucleotide variant.
Coding change: c.5685T>C on transcript NM_020937.4 (MANE Select); coding-DNA position 5685, T replaced by C.
Protein change: p.Cys1895=; no amino-acid change (cysteine 1895 retained).
Molecular consequence: synonymous variant.
Genome position (GRCh38, 1-based): chr14:45,196,516, T>C. VCF-style: chr14-45196516-T-C. GRCh37 (hg19) VCF-style: chr14-45665719-T-C.
Other names: c.5685T>C (LRG_502t1, NM_020937.3); c.5607T>C, p.Cys1869= (NM_001308133.2).
Identifiers: ClinVar variation 526493 (VCV000526493.18), dbSNP rs746870942, ClinGen allele CA7170038.